The following is an entry in ClinVar:

ClinVar aggregate classification (germline): Uncertain significance. Review status: criteria provided, multiple submitters, no conflicts (2 of 4 stars). 2 submissions from 2 submitters: Uncertain significance (2). Last evaluated 2025-02-18.

Allele frequency attached by ClinVar (database versions not stated): gnomAD exomes 0.00001; ExAC 0.00002.
gnomAD v4.1: 12 of 1,614,196 alleles (0.00074%); highest among the groups gnomAD compares: East Asian, 0.0067%; no homozygotes.

Submissions (2):

Labcorp Genetics (formerly Invitae), Labcorp
Classification: Uncertain significance. Last evaluated: 2025-02-18. Review status: criteria provided, single submitter. Criteria: Invitae Variant Classification Sherloc (09022015). Collection method: clinical testing. Allele origin: germline.
Comment: This sequence change replaces arginine, which is basic and polar, with cysteine, which is neutral and slightly polar, at codon 1619 of the COL4A1 protein (p.Arg1619Cys). This variant is present in population databases (rs755291402, gnomAD 0.01%). This variant has not been reported in the literature in individuals affected with COL4A1-related conditions. ClinVar contains an entry for this variant (Variation ID: 2440296). Invitae Evidence Modeling of protein sequence and biophysical properties (such as structural, functional, and spatial information, amino acid conservation, physicochemical variation, residue mobility, and thermodynamic stability) indicates that this missense variant is expected to disrupt COL4A1 protein function with a positive predictive value of 95%. In summary, the available evidence is currently insufficient to determine the role of this variant in disease. Therefore, it has been classified as a Variant of Uncertain Significance.

Revvity Omics, Revvity
Classification: Uncertain significance. Last evaluated: 2022-04-15. Review status: criteria provided, single submitter. Criteria: ACMG Guidelines, 2015. Collection method: clinical testing. Allele origin: germline.

NM_001845.6(COL4A1):c.4855C>T (p.Arg1619Cys)

Gene: COL4A1 (collagen type IV alpha 1 chain; minus strand). Cytogenetic location: 13q34.
Variant type: single nucleotide variant.
Coding change: c.4855C>T on transcript NM_001845.6 (MANE Select); coding-DNA position 4855, C replaced by T.
Protein change: p.Arg1619Cys; replaces arginine 1619 with cysteine.
Molecular consequence: missense variant.
Genome position (GRCh38, 1-based): chr13:110,152,407, G>A on the plus strand (C>T on the coding strand, the complement: COL4A1 is on the minus strand). VCF-style: chr13-110152407-G-A. GRCh37 (hg19) VCF-style: chr13-110804754-G-A.
Other names: short protein forms R1619C.
Identifiers: ClinVar variation 2440296 (VCV002440296.6), dbSNP rs755291402, ClinGen allele CA7046784.
Genomic context (GRCh38, chr13:110,152,407, plus strand): 5'-TCCTCTCTATGGTGGCGAGCCAAAAGCTGTAAGCGTTTGCGTAGTAATTGCAGGTCCCAC[G>A]GCCGTGACACTCGATGAATGGCGCACTTCTAAACTCCTCCAGGCAGGAGCCGGGGGACGC-3'
Protein context (NP_001836.3, residues 1609-1629): RSAPFIECHG[Arg1619Cys]GTCNYYANAY